The following is an entry in ClinVar:

ClinVar aggregate classification (germline): Likely benign. Review status: criteria provided, single submitter (1 of 4 stars). 2 submissions from 2 submitters: Likely benign (1). 1 of the submissions does not count toward it. Last evaluated 2026-03-04.

Conditions:
Polycystic kidney disease. Also called: Kidney, Polycystic; Polycystic kidney dysplasia. Identifiers: MedGen C0022680, MeSH D007690, MONDO:0020642, HP:0000113.
PKD1-related disorder. Also called: PKD1-related condition.

Allele frequency attached by ClinVar (database versions not stated): ExAC below 0.00001; gnomAD 0.00001 and 0.00004; TOPMed 0.00001; gnomAD exomes 0.00004; 1000 Genomes Project 30x 0.00016.

Submissions (2):

PreventionGenetics, part of Exact Sciences
Classification: Likely benign for PKD1-related condition. Last evaluated: 2026-03-04. Review status: criteria provided, single submitter. Criteria: ACMG Guidelines, 2015. Collection method: clinical testing. Allele origin: germline.
Comment: This variant is classified as likely benign based on ACMG/AMP sequence variant interpretation guidelines (Richards et al. 2015 PMID: 25741868, with internal and published modifications).

Department of Pathology and Laboratory Medicine, Sinai Health System
Classification: Likely benign for Polycystic Kidney disease. Review status: no assertion criteria provided. Collection method: clinical testing. Allele origin: unknown. Affected: yes. Observed: 1 variant allele. Study: The Canadian Open Genetics Repository (COGR). Not counted in ClinVar's aggregate classification.
Comment: The PKD1 p.Gln143Gln variant was not identified in the literature nor was it identified in the ClinVar, GeneInsight-COGR, LOVD 3.0, ADPKD Mutation Database, PKD1-LOVD, databases. In addition, the variant was not identified in the 1000 Genomes and the NHLBI GO Exome Sequencing Projects. The variant was identified in dbSNP (ID: rs765295197) as â€šÃ„ÃºNAâ€šÃ„Ã¹ and in control databases in 3 of 64168 chromosomes at a frequency of 0.00005 increasing the likelihood that this may be a low frequency benign variant in certain populations of origin (Genome Aggregation Consortium Feb 27, 2017)". In addition we cannot be certain that data from control databases is specific to PKD1 and not from one of the six PKD1 pseudogenes. The p.Gln143= variant is not expected to have clinical significance because it does not result in a change of amino acid and is not located in a known consensus splice site. In addition, in silico or computational prediction software programs (SpliceSiteFinder, MaxEntScan, NNSPLICE, GeneSplicer, HumanSpliceFinder) do not predict a difference in splicing. In summary, based on the above information, the clinical significance of this variant cannot be determined with certainty at this time although we would lean towards a more benign role for this variant. This variant is classified as likely benign.

NM_001009944.3(PKD1):c.429G>A (p.Gln143=)

Gene: PKD1 (polycystin 1, transient receptor potential channel interacting; minus strand). Cytogenetic location: 16p13.3.
Variant type: single nucleotide variant.
Coding change: c.429G>A on transcript NM_001009944.3 (MANE Select); coding-DNA position 429, G replaced by A.
Protein change: p.Gln143=; no amino-acid change (glutamine 143 retained).
Molecular consequence: synonymous variant.
Genome position (GRCh38, 1-based): chr16:2,118,776, C>T on the plus strand (G>A on the coding strand, the complement: PKD1 is on the minus strand). VCF-style: chr16-2118776-C-T. GRCh37 (hg19) VCF-style: chr16-2168777-C-T.
Other names: c.429G>A (NM_001009944.2); c.429G>A, p.Gln143= (NM_000296.4).
Identifiers: ClinVar variation 997183 (VCV000997183.2), dbSNP rs765295197, ClinGen allele CA7833706.
Genomic context (GRCh38, chr16:2,118,776, plus strand): 5'-GCCAGCCAGGGAGCCAGGCCCAGCACACGTGGCTGCCTCGGGCTGCACCACCCGCACCTG[C>T]TGCTCCTCCGCCCATCGCGGCAGCCACGCCAGGCCACAGTCACACTCAAACGGGTTCCCA-3'
Protein context (NP_001009944.3, residues 133-153): LAWLPRWAEE[Gln143=]QVRVVQPEAA